The following is an entry in ClinVar:

ClinVar aggregate classification (germline): Conflicting classifications of pathogenicity. Review status: criteria provided, conflicting classifications (1 of 4 stars). 9 submissions from 9 submitters: Likely pathogenic (1); Uncertain significance (6); Benign (1). 1 of the submissions does not count toward it. Last evaluated 2026-07-07.

Conditions:
ABCA4-related disorder. Also called: ABCA4-related disorders; ABCA4-related condition. Identifiers: MedGen CN239167.
Severe early-childhood-onset retinal dystrophy (STGD1). Also called: Stargardt macular dystrophy; Juvenile onset macular degeneration; Stargardt disease 1; STGD; MACULAR DYSTROPHY WITH FLECKS, TYPE 1. Identifiers: Orphanet 364055, Orphanet 827, MedGen C1855465, MeSH D000080362, MONDO:0009549, OMIM 248200.
Cone-rod dystrophy 3 (CORD3). Identifiers: Orphanet 1872, MedGen C1858806, MONDO:0011395, OMIM 604116.
Retinitis pigmentosa 19 (RP19). Also called: ABCA4-Related Retinitis Pigmentosa. Identifiers: Orphanet 791, MedGen C1866422, MONDO:0011137, OMIM 601718.
Age related macular degeneration 2. Also called: MACULOPATHY, AGE-RELATED; MACULAR DEGENERATION, SENILE; MACULOPATHY, AGE-RELATED, 2. Identifiers: MedGen C3495438, MONDO:0007932, OMIM 153800.

Allele frequency attached by ClinVar (database versions not stated): 1000 Genomes Project 30x 0.00047; gnomAD exomes 0.00050 and 0.00025; ExAC 0.00052; gnomAD 0.00076 and 0.00072; TOPMed 0.00078; 1000 Genomes Project 0.00040; ESP Exome Variant Server 0.00046.
gnomAD v4.1: 501 of 1,613,496 alleles (0.031%); highest among the groups gnomAD compares: African/African-American, 0.15%; no homozygotes.

Submissions (9):

PreventionGenetics, part of Exact Sciences
Classification: Uncertain significance for ABCA4-related condition. Last evaluated: 2026-07-07. Review status: criteria provided, single submitter. Criteria: ACMG Guidelines, 2015. Collection method: clinical testing. Allele origin: germline.
Comment: The ABCA4 c.5056G>A variant is predicted to result in the amino acid substitution p.Val1686Met. This variant has been reported along with a second ABCA4 variant in several individuals with Stargardt disease or ABCA4-related retinal disease (see, for example, Zernant et al. 2014. PubMed ID: 25066811; Table S1, Fujinami et al. 2018. PubMed ID: 29925512; Duncker et al. 2013. PubMed ID: 24071957; van Huet et al. 2015. PubMed ID: 25999674; Table S1, Lin et al. 2024. PubMed ID: 38219857). This variant is present in 0.74% of alleles in individuals of Ashkenazi Jewish descent and with a global allele frequency of 0.053% in gnomAD, indicating this variant is relatively common. This variant has conflicting classifications in ClinVar ranging from uncertain to benign (Variation ID: 99341). Although we suspect that this variant may be pathogenic, at this time, the clinical significance of this variant is uncertain due to the conflicting population genetic frequencies and the clinical genetic evidence.

Labcorp Genetics (formerly Invitae), Labcorp
Classification: Benign. Last evaluated: 2026-01-09. Review status: criteria provided, single submitter. Criteria: Invitae Variant Classification Sherloc (09022015). Collection method: clinical testing. Allele origin: germline.

Blueprint Genetics
Classification: Likely pathogenic for ABCA4-related disorders. Last evaluated: 2024-10-23. Review status: criteria provided, single submitter. Criteria: ACMG Guidelines, 2015. Collection method: clinical testing. Allele origin: germline. Affected: yes. Observed: 5 variant alleles.

GeneDx
Classification: Uncertain significance. Last evaluated: 2024-05-02. Review status: criteria provided, single submitter. Criteria: GeneDx Variant Classification Process June 2021. Collection method: clinical testing. Allele origin: germline. Affected: yes.
Comment: Identified as a single het variant or phase unknown with other ABCA4 variants in patients with ABCA4-related disorders in published literature (PMID: 28224992, 29925512, 25999674, 24071957); In silico analysis supports that this missense variant has a deleterious effect on protein structure/function; This variant is associated with the following publications: (PMID: 35120629, 31964843, 29925512, 14517951, 25999674, 29706639, 24071957, 34426522, 25066811, 28224992)

Fulgent Genetics
Classification: Uncertain significance for Age related macular degeneration 2; Severe early-childhood-onset retinal dystrophy; Retinitis pigmentosa 19; Cone-rod dystrophy 3. Last evaluated: 2024-04-18. Review status: criteria provided, single submitter. Criteria: ACMG Guidelines, 2015. Collection method: clinical testing. Allele origin: germline.

Mendelics
Classification: Uncertain significance for Severe early-childhood-onset retinal dystrophy. Last evaluated: 2024-01-18. Review status: criteria provided, single submitter. Criteria: Mendelics Assertion Criteria 2017. Collection method: clinical testing. Allele origin: unknown.

Illumina Laboratory Services, Illumina
Classification: Uncertain significance for ABCA4-Related Disorders. Last evaluated: 2017-04-27. Review status: criteria provided, single submitter. Criteria: ICSL Variant Classification Criteria 13 December 2019. Collection method: clinical testing. Allele origin: germline.

Eurofins Ntd Llc (ga)
Classification: Uncertain significance. Last evaluated: 2014-04-16. Review status: criteria provided, single submitter. Criteria: EGL Classification Definitions 2015. Collection method: clinical testing. Allele origin: germline. Observed: 1 variant allele, 1 heterozygote.

Retina International
No classification provided. Review status: no classification provided. Collection method: not provided. Allele origin: unknown. Not counted in ClinVar's aggregate classification.

NM_000350.3(ABCA4):c.5056G>A (p.Val1686Met)

Gene: ABCA4 (ATP binding cassette subfamily A member 4; minus strand). Cytogenetic location: 1p22.1.
Variant type: single nucleotide variant.
Coding change: c.5056G>A on transcript NM_000350.3 (MANE Select); coding-DNA position 5056, G replaced by A.
Protein change: p.Val1686Met; replaces valine 1686 with methionine.
Molecular consequence: missense variant.
Genome position (GRCh38, 1-based): chr1:94,019,722, C>T on the plus strand (G>A on the coding strand, the complement: ABCA4 is on the minus strand). VCF-style: chr1-94019722-C-T. GRCh37 (hg19) VCF-style: chr1-94485278-C-T.
Other names: c.4834G>A, p.Val1612Met (NM_001425324.1); short protein forms V1686M, V1612M.
Identifiers: ClinVar variation 99341 (VCV000099341.26), dbSNP rs61753019, ClinGen allele CA227268.